The following is an entry in ClinVar:

ClinVar aggregate classification (germline): Pathogenic (1 of 4 stars; one submission).

Submission:

Labcorp Genetics (formerly Invitae), Labcorp
Classification: Pathogenic. Last evaluated: 2024-03-18. Review status: criteria provided, single submitter. Criteria: Invitae Variant Classification Sherloc (09022015). Collection method: clinical testing. Allele origin: germline.
Comment: This sequence change creates a premature translational stop signal (p.Phe1344Glufs*11) in the UBR1 gene. It is expected to result in an absent or disrupted protein product. Loss-of-function variants in UBR1 are known to be pathogenic (PMID: 24599544). This variant is not present in population databases (gnomAD no frequency). This variant has not been reported in the literature in individuals affected with UBR1-related conditions. For these reasons, this variant has been classified as Pathogenic.

Literature cited by the submitters: PubMed 24599544.

NM_174916.3(UBR1):c.4030_4033del (p.Phe1344fs)

Gene: UBR1 (ubiquitin protein ligase E3 component n-recognin 1; minus strand). Cytogenetic location: 15q15.2.
Variant type: Deletion.
Coding change: c.4030_4033del on transcript NM_174916.3 (MANE Select); coding-DNA positions 4030 to 4033, 4 bases deleted (TTTG; older notation c.4030_4033delTTTG).
Protein change: p.Phe1344fs; shifts the reading frame from phenylalanine 1344.
Molecular consequence: frameshift variant.
Genome position (GRCh38, 1-based): chr15:42,984,907-42,984,910, CAAA deleted on the plus strand (TTTG on the coding strand, the reverse complement: UBR1 is on the minus strand); deleting any 4 consecutive bases within chr15:42,984,907-42,984,912 gives the same sequence; the c. name uses the placement nearest the transcript's 3' end. VCF-style (leftmost placement, unchanged base first): chr15-42984906-CCAAA-C. GRCh37 (hg19) VCF-style: chr15-43277104-CCAAA-C.
Other names: short protein forms F1344fs.
Identifiers: ClinVar variation 3655703 (VCV003655703.2).